The following is an entry in ClinVar:

ClinVar aggregate classification (germline): Uncertain significance. Review status: criteria provided, multiple submitters, no conflicts (2 of 4 stars). 2 submissions from 2 submitters: Uncertain significance (2). Last evaluated 2026-06-18.

Conditions:
Colorectal cancer, hereditary nonpolyposis, type 7. Identifiers: Orphanet 144, MedGen C1858380, MONDO:0013725, OMIM 614385.

Allele frequency attached by ClinVar (database versions not stated): gnomAD exomes below 0.00001; ExAC 0.00002.
gnomAD v4.1: 3 of 1,589,132 alleles (0.00019%); highest among the groups gnomAD compares: African/African-American, 0.0014%; no homozygotes.

Submissions (2):

Ambry Genetics
Classification: Uncertain significance. Last evaluated: 2026-06-18. Review status: criteria provided, single submitter. Criteria: Ambry Variant Classification Scheme 2023. Collection method: clinical testing. Allele origin: germline.
Comment: The p.P1178L variant (also known as c.3533C>T), located in coding exon 4 of the MLH3 gene, results from a C to T substitution at nucleotide position 3533. The proline at codon 1178 is replaced by leucine, an amino acid with similar properties. This amino acid position is highly conserved in available vertebrate species. In addition, the in silico prediction for this alteration is inconclusive. Based on the available evidence, the clinical significance of this variant remains unclear.

Labcorp Genetics (formerly Invitae), Labcorp
Classification: Uncertain significance for Colorectal cancer, hereditary nonpolyposis, type 7. Last evaluated: 2023-06-14. Review status: criteria provided, single submitter. Criteria: Invitae Variant Classification Sherloc (09022015). Collection method: clinical testing. Allele origin: germline.
Comment: An algorithm developed to predict the effect of missense changes on protein structure and function (PolyPhen-2) suggests that this variant is likely to be disruptive. In summary, the available evidence is currently insufficient to determine the role of this variant in disease. Therefore, it has been classified as a Variant of Uncertain Significance. This variant has not been reported in the literature in individuals affected with MLH3-related conditions. This variant is present in population databases (rs766339712, gnomAD 0.003%). This sequence change replaces proline, which is neutral and non-polar, with leucine, which is neutral and non-polar, at codon 1178 of the MLH3 protein (p.Pro1178Leu).

NM_001040108.2(MLH3):c.3533C>T (p.Pro1178Leu)

Gene: MLH3 (mutL homolog 3; minus strand). Cytogenetic location: 14q24.3.
Variant type: single nucleotide variant.
Coding change: c.3533C>T on transcript NM_001040108.2 (MANE Select); coding-DNA position 3533, C replaced by T.
Protein change: p.Pro1178Leu; replaces proline 1178 with leucine.
Molecular consequence: missense variant.
Genome position (GRCh38, 1-based): chr14:75,039,948, G>A on the plus strand (C>T on the coding strand, the complement: MLH3 is on the minus strand). VCF-style: chr14-75039948-G-A. GRCh37 (hg19) VCF-style: chr14-75506651-G-A.
Other names: c.3533C>T, p.Pro1178Leu (NM_014381.3); short protein forms P1178L.
Identifiers: ClinVar variation 2733478 (VCV002733478.4), dbSNP rs766339712, ClinGen allele CA7275462.